The following is an entry in ClinVar:

ClinVar aggregate classification (germline): Uncertain significance (1 of 4 stars; one submission).

Submission:

CeGaT Center for Human Genetics Tuebingen
Classification: Uncertain significance. Last evaluated: 2024-11-01. Review status: criteria provided, single submitter. Criteria: CeGaT Center For Human Genetics Tuebingen Variant Classification Criteria Version 2. Collection method: clinical testing. Allele origin: germline. Affected: yes. Observed: 2 variant alleles.
Comment: SCN1A: PM2, PP2

NM_001165963.4(SCN1A):c.2445G>A (p.Met815Ile)

Gene: SCN1A (sodium voltage-gated channel alpha subunit 1; minus strand). Cytogenetic location: 2q24.3.
Variant type: single nucleotide variant.
Coding change: c.2445G>A on transcript NM_001165963.4 (MANE Select); coding-DNA position 2445, G replaced by A.
Protein change: p.Met815Ile; replaces methionine 815 with isoleucine.
Molecular consequence: missense variant. On other transcripts: non-coding transcript variant (1), initiator codon variant (1).
Genome position (GRCh38, 1-based): chr2:166,039,567, C>T on the plus strand (G>A on the coding strand, the complement: SCN1A is on the minus strand). VCF-style: chr2-166039567-C-T. GRCh37 (hg19) VCF-style: chr2-166896077-C-T.
Other names: c.2412G>A, p.Met804Ile (NM_006920.6, NM_001353949.2, NM_001353952.2 and 2 more transcripts); c.2361G>A, p.Met787Ile (NM_001165964.3, NM_001353957.2, NM_001353958.2); c.2445G>A, p.Met815Ile (NM_001202435.3, NM_001353948.2); c.2409G>A, p.Met803Ile (NM_001353954.2, NM_001353955.2); c.2358G>A, p.Met786Ile (NM_001353960.2); c.3G>A, p.Met1Ile (NM_001353961.2); short protein forms M1I, M786I, M787I, M803I, M804I, M815I.
Identifiers: ClinVar variation 2651499 (VCV002651499.24), dbSNP rs2468115380, ClinGen allele CA349062731.